The following is an entry in ClinVar:

ClinVar aggregate classification (germline): Uncertain significance. Review status: criteria provided, multiple submitters, no conflicts (2 of 4 stars). 2 submissions from 2 submitters: Uncertain significance (2). Last evaluated 2024-10-07.

Conditions:
Inborn genetic diseases. Identifiers: MedGen C0950123, MeSH D030342.

gnomAD v4.1: 3 of 1,614,250 alleles (0.00019%); highest among the groups gnomAD compares: Admixed American, 0.0033%; no homozygotes.

Submissions (2):

Labcorp Genetics (formerly Invitae), Labcorp
Classification: Uncertain significance. Last evaluated: 2024-10-07. Review status: criteria provided, single submitter. Criteria: Invitae Variant Classification Sherloc (09022015). Collection method: clinical testing. Allele origin: germline.
Comment: This sequence change replaces cysteine, which is neutral and slightly polar, with tyrosine, which is neutral and polar, at codon 1162 of the CAMTA1 protein (p.Cys1162Tyr). This variant is present in population databases (no rsID available, gnomAD 0.003%). This variant has not been reported in the literature in individuals affected with CAMTA1-related conditions. Invitae Evidence Modeling of protein sequence and biophysical properties (such as structural, functional, and spatial information, amino acid conservation, physicochemical variation, residue mobility, and thermodynamic stability) indicates that this missense variant is not expected to disrupt CAMTA1 protein function with a negative predictive value of 80%. In summary, the available evidence is currently insufficient to determine the role of this variant in disease. Therefore, it has been classified as a Variant of Uncertain Significance.

Ambry Genetics
Classification: Uncertain significance for Inborn genetic diseases. Last evaluated: 2024-09-26. Review status: criteria provided, single submitter. Criteria: Ambry Variant Classification Scheme 2023. Collection method: clinical testing. Allele origin: germline.

NM_015215.4(CAMTA1):c.3485G>A (p.Cys1162Tyr)

Gene: CAMTA1 (calmodulin binding transcription activator 1; plus strand). Cytogenetic location: 1p36.23.
Variant type: single nucleotide variant.
Coding change: c.3485G>A on transcript NM_015215.4 (MANE Select); coding-DNA position 3485, G replaced by A.
Protein change: p.Cys1162Tyr; replaces cysteine 1162 with tyrosine.
Molecular consequence: missense variant.
Genome position (GRCh38, 1-based): chr1:7,737,397, G>A. VCF-style: chr1-7737397-G-A. GRCh37 (hg19) VCF-style: chr1-7797457-G-A.
Other names: c.3395G>A, p.Cys1132Tyr (NM_001349608.2, NM_001349612.2); c.557G>A, p.Cys186Tyr (NM_001349620.1, NM_001349621.1, NM_001349622.2 and 10 more transcripts); c.3485G>A, p.Cys1162Tyr (NM_001410737.1, NM_001349609.2, NM_001349610.2); c.3413G>A, p.Cys1138Tyr (NM_001410738.1); c.614G>A, p.Cys205Tyr (NM_001349613.1); c.3485G>A (NM_015215.2); short protein forms C1132Y, C1138Y, C1162Y, C186Y, C205Y.
Identifiers: ClinVar variation 2996568 (VCV002996568.4), dbSNP rs1264304450, ClinGen allele CA338128511.
Genomic context (GRCh38, chr1:7,737,397, plus strand): 5'-CTCTAGGAAGGCTGCCTTTGGGAATTGCCAGGTCACGGGGTCATGTGAAATTAGCAGAGT[G>A]TCTGGAGCACCTGCAGAGAGATGAGCAGGCTCAGCTGGGACAGAACCCCAGAATCCACTG-3'
Protein context (NP_056030.1, residues 1152-1172): RSRGHVKLAE[Cys1162Tyr]LEHLQRDEQA